The following is an entry in ClinVar:

NM_000199.5(SGSH):c.396C>A (p.Tyr132Ter)

Gene: SGSH (N-sulfoglucosamine sulfohydrolase; minus strand). Cytogenetic location: 17q25.3.
Variant type: single nucleotide variant.
Coding change: c.396C>A on transcript NM_000199.5 (MANE Select); coding-DNA position 396, C replaced by A.
Protein change: p.Tyr132Ter; replaces tyrosine 132 with a stop codon.
Molecular consequence: nonsense. On other transcripts: non-coding transcript variant (1).
Genome position (GRCh38, 1-based): chr17:80,214,725, G>T on the plus strand (C>A on the coding strand, the complement: SGSH is on the minus strand). VCF-style: chr17-80214725-G-T. GRCh37 (hg19) VCF-style: chr17-78188524-G-T.
Other names: c.396C>A, p.Tyr132Ter (NM_001352921.3, NM_001352922.2); short protein forms Y132*.
Identifiers: ClinVar variation 1724798 (VCV001724798.2), dbSNP rs2510894157, ClinGen allele CA401363083.
Genomic context (GRCh38, chr17:80,214,725, plus strand): 5'-GATGTTCCGCCCCACCTGGAGGACGGAGCCATTCTCCTCCGTGTACGCAAAGTCAAACGG[G>T]TACACGGTCTCCGGCCCCACGTGCTTCTTCCCGATGATGCCTGGGCGGGAAGAGAGGCCT-3'

ClinVar aggregate classification (germline): Likely pathogenic (1 of 4 stars; one submission).

Conditions:
Mucopolysaccharidosis, MPS-III-A (MPS3A). Also called: Mucopolysaccharidosis type IIIA (Sanfilippo A); HEPARAN SULFATE SULFATASE DEFICIENCY; SANFILIPPO SYNDROME A; SULFAMIDASE DEFICIENCY; MPS III A; MUCOPOLYSACCHARIDOSIS, TYPE IIIA, ATTENUATED. Identifiers: Orphanet 581, Orphanet 79269, MedGen C0086647, MONDO:0009655, OMIM 252900.

Submission:

Myriad Genetics, Inc.
Classification: Likely pathogenic for Mucopolysaccharidosis, MPS-III-A. Last evaluated: 2022-02-28. Review status: criteria provided, single submitter. Criteria: Myriad Women's Health Autosomal Recessive and X-Linked Classification Criteria (2021). Collection method: clinical testing. Allele origin: unknown.
Comment: NM_000199.3(SGSH):c.396C>A(Y132*) is expected to be pathogenic in the context of mucopolysaccharidosis type IIIA. This variant is predicted to lead to an abnormal or absent protein product due to the creation of a premature termination codon in SGSH, a gene where loss-of-function variants are known to be pathogenic. Please note: this variant was assessed in the context of healthy population screening.